The following is an entry in ClinVar:

ClinVar aggregate classification (germline): Uncertain significance. Review status: criteria provided, multiple submitters, no conflicts (2 of 4 stars). 2 submissions from 2 submitters: Uncertain significance (2). Last evaluated 2023-04-12.

Conditions:
Inborn genetic diseases. Identifiers: MedGen C0950123, MeSH D030342.

Allele frequency attached by ClinVar (database versions not stated): TOPMed 0.00001.

Submissions (2):

Ambry Genetics
Classification: Uncertain significance for Inborn genetic diseases. Last evaluated: 2023-04-12. Review status: criteria provided, single submitter. Criteria: Ambry Variant Classification Scheme 2023. Collection method: clinical testing. Allele origin: germline.

GeneDx
Classification: Uncertain significance. Last evaluated: 2021-04-01. Review status: criteria provided, single submitter. Criteria: GeneDx Variant Classification Process June 2021. Collection method: clinical testing. Allele origin: germline. Affected: yes.
Comment: Not observed in large population cohorts (Lek et al., 2016); In silico analysis, which includes protein predictors and evolutionary conservation, supports a deleterious effect; Has not been previously published as pathogenic or benign to our knowledge

NM_002739.5(PRKCG):c.1728G>C (p.Lys576Asn)

Gene: PRKCG (protein kinase C gamma; plus strand). Cytogenetic location: 19q13.42.
Variant type: single nucleotide variant.
Coding change: c.1728G>C on transcript NM_002739.5 (MANE Select); coding-DNA position 1728, G replaced by C.
Protein change: p.Lys576Asn; replaces lysine 576 with asparagine.
Molecular consequence: missense variant.
Genome position (GRCh38, 1-based): chr19:53,904,706, G>C. VCF-style: chr19-53904706-G-C. GRCh37 (hg19) VCF-style: chr19-54407960-G-C.
Other names: c.1728G>C, p.Lys576Asn (NM_001316329.2); short protein forms K576N.
Identifiers: ClinVar variation 1223865 (VCV001223865.5), dbSNP rs79609076, ClinGen allele CA310094951.